The following is an entry in ClinVar:

ClinVar aggregate classification (germline): Uncertain significance (1 of 4 stars; one submission).

Conditions:
Aicardi-Goutieres syndrome 4. Identifiers: Orphanet 51, MedGen C1835912, MONDO:0012472, OMIM 610333.

Allele frequency attached by ClinVar (database versions not stated): gnomAD exomes below 0.00001; TOPMed below 0.00001; ExAC 0.00001; gnomAD 0.00001.
gnomAD v4.1: 4 of 1,614,064 alleles (0.00025%); highest among the groups gnomAD compares: African/African-American, 0.0027%; no homozygotes.

Submission:

Labcorp Genetics (formerly Invitae), Labcorp
Classification: Uncertain significance for Aicardi-Goutieres syndrome 4. Last evaluated: 2022-07-30. Review status: criteria provided, single submitter. Criteria: Invitae Variant Classification Sherloc (09022015). Collection method: clinical testing. Allele origin: germline.
Comment: This sequence change replaces valine, which is neutral and non-polar, with methionine, which is neutral and non-polar, at codon 196 of the RNASEH2A protein (p.Val196Met). This variant is present in population databases (rs771240439, gnomAD 0.003%). This variant has not been reported in the literature in individuals affected with RNASEH2A-related conditions. Algorithms developed to predict the effect of missense changes on protein structure and function are either unavailable or do not agree on the potential impact of this missense change (SIFT: "Tolerated"; PolyPhen-2: "Possibly Damaging"; Align-GVGD: "Class C0"). In summary, the available evidence is currently insufficient to determine the role of this variant in disease. Therefore, it has been classified as a Variant of Uncertain Significance.

NM_006397.3(RNASEH2A):c.586G>A (p.Val196Met)

Gene: RNASEH2A (ribonuclease H2 subunit A; plus strand). Cytogenetic location: 19p13.13.
Variant type: single nucleotide variant.
Coding change: c.586G>A on transcript NM_006397.3 (MANE Select); coding-DNA position 586, G replaced by A.
Protein change: p.Val196Met; replaces valine 196 with methionine.
Molecular consequence: missense variant.
Genome position (GRCh38, 1-based): chr19:12,810,353, G>A. VCF-style: chr19-12810353-G-A. GRCh37 (hg19) VCF-style: chr19-12921167-G-A.
Other names: short protein forms V196M.
Identifiers: ClinVar variation 1980305 (VCV001980305.1), dbSNP rs771240439, ClinGen allele CA9231965.